The following is an entry in ClinVar:

NM_000138.5(FBN1):c.4164C>A (p.Arg1388=)

Gene: FBN1 (fibrillin 1; minus strand). Cytogenetic location: 15q21.1.
Variant type: single nucleotide variant.
Coding change: c.4164C>A on transcript NM_000138.5 (MANE Select); coding-DNA position 4164, C replaced by A.
Protein change: p.Arg1388=; no amino-acid change (arginine 1388 retained).
Molecular consequence: synonymous variant.
Genome position (GRCh38, 1-based): chr15:48,474,301, G>T on the plus strand (C>A on the coding strand, the complement: FBN1 is on the minus strand). VCF-style: chr15-48474301-G-T. GRCh37 (hg19) VCF-style: chr15-48766498-G-T.
Other names: c.4164C>A, p.Arg1388= (NM_001406716.1).
Identifiers: ClinVar variation 1738362 (VCV001738362.9), dbSNP rs941583661, ClinGen allele CA269520393.
Genomic context (GRCh38, chr15:48,474,301, plus strand): 5'-CAGCGTGAACATACCTGTACAAGTGAAGCCATCACCTGTGTATCCTTCCTTGCACAGACA[G>T]CGGTAAGATCCCATGGTATTCTTGCAGTCTGCATGCTGGCTGCACATATGGGTTCCATTG-3'
Protein context (NP_000129.3, residues 1378-1398): ADCKNTMGSY[Arg1388=]CLCKEGYTGD

ClinVar aggregate classification (germline): Likely benign. Review status: criteria provided, multiple submitters, no conflicts (2 of 4 stars). 4 submissions from 4 submitters: Likely benign (4). Last evaluated 2025-11-20.

Conditions:
Marfan syndrome (MFS). Also called: Marfan's syndrome; Marfan syndrome, classic; MARFAN SYNDROME, TYPE I; Marfan syndrome type 1; FBN1-Related Marfan Syndrome. Identifiers: Orphanet 284963, Orphanet 558, MedGen C0024796, MONDO:0007947, OMIM 154700.
Familial thoracic aortic aneurysm and aortic dissection (TAAD). Also called: Thoracic aortic aneurysms and dissections. Identifiers: Orphanet 91387, MedGen C4707243, MONDO:0019625.

Allele frequency attached by ClinVar (database versions not stated): gnomAD exomes below 0.00001.
gnomAD v4.1: 8 of 1,614,138 alleles (0.0005%); highest among the groups gnomAD compares: Non-Finnish European, 0.00059%; no homozygotes.

Submissions (4):

Labcorp Genetics (formerly Invitae), Labcorp
Classification: Likely benign for Marfan syndrome; Familial thoracic aortic aneurysm and aortic dissection. Last evaluated: 2025-11-20. Review status: criteria provided, single submitter. Criteria: Invitae Variant Classification Sherloc (09022015). Collection method: clinical testing. Allele origin: germline.

All of Us Research Program, National Institutes of Health
Classification: Likely benign for Marfan syndrome. Last evaluated: 2023-04-03. Review status: criteria provided, single submitter. Criteria: ACMG Guidelines, 2015. Collection method: clinical testing. Allele origin: germline. Inheritance: Autosomal dominant inheritance. Observed: 1 variant allele, 1 heterozygote.
Comment: This study involves interpretation of variants in research participants for the purpose of population health screening. Participant phenotype was not available at the time of variant classification. Additional details can be found in publication PMID: 35346344, PMCID: PMC8962531

Color Diagnostics, LLC DBA Color Health
Classification: Likely benign for Familial thoracic aortic aneurysm and aortic dissection. Last evaluated: 2022-11-06. Review status: criteria provided, single submitter. Criteria: ACMG Guidelines, 2015. Collection method: clinical testing. Allele origin: germline.

Ambry Genetics
Classification: Likely benign for Familial thoracic aortic aneurysm and aortic dissection. Last evaluated: 2022-06-14. Review status: criteria provided, single submitter. Criteria: Ambry Variant Classification Scheme 2023. Collection method: clinical testing. Allele origin: germline.